The following is an entry in ClinVar:

NM_004415.4(DSP):c.8156del (p.Pro2719fs)

Gene: DSP (desmoplakin; plus strand). Cytogenetic location: 6p24.3.
Variant type: Deletion.
Coding change: c.8156del on transcript NM_004415.4 (MANE Select); coding-DNA position 8156, one base deleted (C; older notation c.8156delC).
Protein change: p.Pro2719fs; shifts the reading frame from proline 2719.
Molecular consequence: frameshift variant.
Genome position (GRCh38, 1-based): chr6:7,585,418, C deleted; the last of 3 consecutive C bases (chr6:7,585,416-7,585,418); deleting any one gives the same sequence. VCF-style (leftmost placement, unchanged base first): chr6-7585415-TC-T. GRCh37 (hg19) VCF-style: chr6-7585648-TC-T.
Other names: c.8156del (LRG_423t1); c.6359del, p.Pro2120fs (NM_001008844.3); c.6827del, p.Pro2276fs (NM_001319034.2); short protein forms P2120fs, P2276fs, P2719fs.
Identifiers: ClinVar variation 199945 (VCV000199945.11), dbSNP rs1554109181, ClinGen allele CA007404.

ClinVar aggregate classification (germline): Pathogenic (1 of 4 stars; one submission).

Conditions:
Arrhythmogenic cardiomyopathy with wooly hair and keratoderma. Also called: Carvajal syndrome; Dilated cardiomyopathy with woolly hair and keratoderma; Arrhythmogenic cardiomyopathy with woolly hair and keratoderma; PALMOPLANTAR KERATODERMA WITH LEFT VENTRICULAR CARDIOMYOPATHY AND WOOLLY HAIR. Identifiers: Orphanet 65282, MedGen C1854063, MONDO:0011581, OMIM 605676.
Arrhythmogenic right ventricular dysplasia 8 (ARVD8). Also called: Arrhythmogenic Right Ventricular Dysplasia/Cardiomyopathy 8; ARRHYTHMOGENIC RIGHT VENTRICULAR CARDIOMYOPATHY 8; ARRHYTHMOGENIC RIGHT VENTRICULAR DYSPLASIA, FAMILIAL, 8. Identifiers: MedGen C1843896, MONDO:0011831, OMIM 607450.

Submission:

Labcorp Genetics (formerly Invitae), Labcorp
Classification: Pathogenic for Arrhythmogenic cardiomyopathy with wooly hair and keratoderma; Arrhythmogenic right ventricular dysplasia 8. Last evaluated: 2019-10-29. Review status: criteria provided, single submitter. Criteria: Invitae Variant Classification Sherloc (09022015). Collection method: clinical testing. Allele origin: germline.
Comment: This sequence change results in a premature translational stop signal in the DSP gene (p.Pro2719Argfs*27). While this is not anticipated to result in nonsense mediated decay, it is expected to disrupt the last 153 amino acids of the DSP protein. This variant is not present in population databases (ExAC no frequency). This variant has not been reported in the literature in individuals with DSP-related conditions. ClinVar contains an entry for this variant (Variation ID: 199945). This variant disrupts the C-terminus of the DSP protein. Other variant(s) that disrupt this region (p.Glu2728Glyfs*11) have been determined to be pathogenic (Invitae). This suggests that variants that disrupt this region of the protein are likely to be causative of disease. For these reasons, this variant has been classified as Pathogenic.